The following is an entry in ClinVar:

ClinVar aggregate classification (germline): Uncertain significance. Review status: criteria provided, multiple submitters, no conflicts (2 of 4 stars). 2 submissions from 2 submitters: Uncertain significance (2). Last evaluated 2024-01-02.

Allele frequency attached by ClinVar (database versions not stated): gnomAD exomes below 0.00001 and 0.00001; ExAC 0.00001; gnomAD 0.00001.
gnomAD v4.1: 16 of 1,613,104 alleles (0.00099%); highest among the groups gnomAD compares: East Asian, 0.0022%; no homozygotes.

Submissions (2):

Labcorp Genetics (formerly Invitae), Labcorp
Classification: Uncertain significance. Last evaluated: 2024-01-02. Review status: criteria provided, single submitter. Criteria: Invitae Variant Classification Sherloc (09022015). Collection method: clinical testing. Allele origin: germline.
Comment: This sequence change replaces arginine, which is basic and polar, with cysteine, which is neutral and slightly polar, at codon 1704 of the COL4A2 protein (p.Arg1704Cys). The frequency data for this variant in the population databases is considered unreliable, as metrics indicate poor data quality at this position in the gnomAD database. This variant has not been reported in the literature in individuals affected with COL4A2-related conditions. ClinVar contains an entry for this variant (Variation ID: 1317353). Advanced modeling of protein sequence and biophysical properties (such as structural, functional, and spatial information, amino acid conservation, physicochemical variation, residue mobility, and thermodynamic stability) has been performed at Invitae for this missense variant, however the output from this modeling did not meet the statistical confidence thresholds required to predict the impact of this variant on COL4A2 protein function. In summary, the available evidence is currently insufficient to determine the role of this variant in disease. Therefore, it has been classified as a Variant of Uncertain Significance.

GeneDx
Classification: Uncertain significance. Last evaluated: 2019-09-05. Review status: criteria provided, single submitter. Criteria: GeneDx Variant Classification Process June 2021. Collection method: clinical testing. Allele origin: germline. Affected: yes.
Comment: Not observed at a significant frequency in large population cohorts (Lek et al., 2016); In silico analysis, which includes protein predictors and evolutionary conservation, supports a deleterious effect; Has not been previously published as pathogenic or benign to our knowledge

NM_001846.4(COL4A2):c.5110C>T (p.Arg1704Cys)

Gene: COL4A2 (collagen type IV alpha 2 chain; plus strand). Cytogenetic location: 13q34.
Variant type: single nucleotide variant.
Coding change: c.5110C>T on transcript NM_001846.4 (MANE Select); coding-DNA position 5110, C replaced by T.
Protein change: p.Arg1704Cys; replaces arginine 1704 with cysteine.
Molecular consequence: missense variant.
Genome position (GRCh38, 1-based): chr13:110,512,162, C>T. VCF-style: chr13-110512162-C-T. GRCh37 (hg19) VCF-style: chr13-111164509-C-T.
Other names: short protein forms R1704C.
Identifiers: ClinVar variation 1317353 (VCV001317353.5), dbSNP rs780380833, ClinGen allele CA7050777.